The following is an entry in ClinVar:

NM_198282.4(STING1):c.233G>C (p.Arg78Pro)

Gene: STING1 (stimulator of interferon response cGAMP interactor 1; minus strand). Cytogenetic location: 5q31.2.
Variant type: single nucleotide variant.
Coding change: c.233G>C on transcript NM_198282.4 (MANE Select); coding-DNA position 233, G replaced by C.
Protein change: p.Arg78Pro; replaces arginine 78 with proline.
Molecular consequence: missense variant. On other transcripts: 5 prime UTR variant (1).
Genome position (GRCh38, 1-based): chr5:139,481,337, C>G on the plus strand (G>C on the coding strand, the complement: STING1 is on the minus strand). VCF-style: chr5-139481337-C-G. GRCh37 (hg19) VCF-style: chr5-138860922-C-G.
Other names: c.233G>C, p.Arg78Pro (NM_001301738.2); c.-125G>C (NM_001367258.1); short protein forms R78P.
Identifiers: ClinVar variation 1680269 (VCV001680269.6), dbSNP rs11554775, ClinGen allele CA361481578.

ClinVar aggregate classification (germline): Uncertain significance (1 of 4 stars; one submission).

Conditions:
STING-associated vasculopathy with onset in infancy. Also called: Sting-associated vasculopathy, infantile-onset. Identifiers: Orphanet 425120, MedGen C4014722, MONDO:0014405, OMIM 615934.

Submission:

Labcorp Genetics (formerly Invitae), Labcorp
Classification: Uncertain significance for STING-associated vasculopathy with onset in infancy. Last evaluated: 2025-07-28. Review status: criteria provided, single submitter. Criteria: Invitae Variant Classification Sherloc (09022015). Collection method: clinical testing. Allele origin: germline.
Comment: This sequence change replaces arginine, which is basic and polar, with proline, which is neutral and non-polar, at codon 78 of the TMEM173 protein (p.Arg78Pro). This variant is not present in population databases (gnomAD no frequency). This variant has not been reported in the literature in individuals affected with TMEM173-related conditions. ClinVar contains an entry for this variant (Variation ID: 1680269). Invitae Evidence Modeling of protein sequence and biophysical properties (such as structural, functional, and spatial information, amino acid conservation, physicochemical variation, residue mobility, and thermodynamic stability) indicates that this missense variant is not expected to disrupt TMEM173 protein function with a negative predictive value of 80%. In summary, the available evidence is currently insufficient to determine the role of this variant in disease. Therefore, it has been classified as a Variant of Uncertain Significance.